The following is an entry in ClinVar:

NM_001148.6(ANK2):c.9674T>C (p.Leu3225Pro)

Gene: ANK2 (ankyrin 2; plus strand). Cytogenetic location: 4q26.
Variant type: single nucleotide variant.
Coding change: c.9674T>C on transcript NM_001148.6 (MANE Select); coding-DNA position 9674, T replaced by C.
Protein change: p.Leu3225Pro; replaces leucine 3225 with proline.
Molecular consequence: missense variant. On other transcripts: intron variant (68).
Genome position (GRCh38, 1-based): chr4:113,358,292, T>C. VCF-style: chr4-113358292-T-C. GRCh37 (hg19) VCF-style: chr4-114279448-T-C.
Other names: c.9440T>C, p.Leu3147Pro (NM_001386142.1); c.6074T>C, p.Leu2025Pro (NM_001386166.1); c.9815T>C, p.Leu3272Pro (NM_001386174.1); c.9791T>C, p.Leu3264Pro (NM_001386175.1); c.4412-2531T>C (NM_001386186.2, NM_001386148.2); c.4214-2531T>C (NM_001354269.3); c.4292-2531T>C (NM_001386187.2); c.4253-2531T>C (NM_001386147.1); and 35 more; short protein forms L2025P, L3147P, L3225P, L3264P, L3272P.
Identifiers: ClinVar variation 4975294 (VCV004975294.1).

ClinVar aggregate classification (germline): Uncertain significance (1 of 4 stars; one submission).

Submission:

GeneDx
Classification: Uncertain significance. Last evaluated: 2026-01-21. Review status: criteria provided, single submitter. Criteria: GeneDx Variant Classification Process June 2021. Collection method: clinical testing. Allele origin: germline.
Comment: Not observed at significant frequency in large population cohorts (gnomAD); In silico analysis suggests that this missense variant does not alter protein structure/function; Has not been previously published as pathogenic or benign to our knowledge; This variant is associated with the following publications: (PMID: 1830053, 18790697, 26109584)